The following is an entry in ClinVar:

ClinVar aggregate classification (germline): Conflicting classifications of pathogenicity. Review status: criteria provided, conflicting classifications (1 of 4 stars). 7 submissions from 7 submitters: Pathogenic (2); Likely pathogenic (1); Uncertain significance (4). Last evaluated 2026-01-19.

Conditions:
Early-infantile DEE. Also called: Ohtahara syndrome; Early infantile epileptic encephalopathy with suppression bursts; Early infantile epileptic encephalopathy. Identifiers: Orphanet 1934, MedGen C0393706, MONDO:0800491.
Inborn genetic diseases. Identifiers: MedGen C0950123, MeSH D030342.
Developmental and epileptic encephalopathy, 13 (DEE13). Also called: Developmental and Epileptic Encephalopathy (SCN8A-DEE); Early infantile epileptic encephalopathy 13; SCN8A-Related Epilepsy. Identifiers: Orphanet 442835, MedGen C3281191, MONDO:0013801, OMIM 614558.

Allele frequency attached by ClinVar (database versions not stated): ExAC 0.00002; TOPMed below 0.00001; gnomAD exomes 0.00001 and 0.00002; gnomAD 0.00002.
gnomAD v4.1: 13 of 1,613,856 alleles (0.00081%); highest among the groups gnomAD compares: Admixed American, 0.0067%; no homozygotes.

Submissions (7):

Dasa
Classification: Uncertain significance. Last evaluated: 2026-01-19. Review status: criteria provided, single submitter. Criteria: DASA Assertion Criteria. Collection method: clinical testing. Allele origin: germline.
Comment: NM_001330260.2(SCN8A):c.82C>T (p.Arg28Cys) is a missense variant that results in the substitution of arginine with cysteine. This variant has been reported as a de novo occurrence in an affected individual (PMID: 31054490; PMID: 31031587). This classification is supported by population frequency inconsistent with a disease-causing role. Computational prediction algorithms are consistent with a deleterious effect. The currently available literature and clinical evidence are not sufficient to establish a definitive association between this variant and the reported condition. Therefore, this variant is classified as a variant of uncertain significance.

Labcorp Genetics (formerly Invitae), Labcorp
Classification: Pathogenic for Early-infantile DEE. Last evaluated: 2025-08-06. Review status: criteria provided, single submitter. Criteria: Invitae Variant Classification Sherloc (09022015). Collection method: clinical testing. Allele origin: germline.
Comment: This sequence change replaces arginine, which is basic and polar, with cysteine, which is neutral and slightly polar, at codon 28 of the SCN8A protein (p.Arg28Cys). This variant is present in population databases (rs768570935, gnomAD 0.006%). This missense change has been observed in individual(s) with epileptic encephalopathy (PMID: 31054490). In at least one individual the variant was observed to be de novo. ClinVar contains an entry for this variant (Variation ID: 1352375). Invitae Evidence Modeling of protein sequence and biophysical properties (such as structural, functional, and spatial information, amino acid conservation, physicochemical variation, residue mobility, and thermodynamic stability) indicates that this missense variant is not expected to disrupt SCN8A protein function with a negative predictive value of 95%. For these reasons, this variant has been classified as Pathogenic.

3billion
Classification: Likely pathogenic for Developmental and epileptic encephalopathy, 13. Last evaluated: 2025-07-22. Review status: criteria provided, single submitter. Criteria: ACMG Guidelines, 2015. Collection method: clinical testing. Allele origin: germline. Affected: yes.
Comment: The variant is observed at an extremely low frequency in the gnomAD v4.1.0 dataset (total allele frequency: <0.001%). Predicted Consequence/Location: Missense variant In silico tool predictions suggest damaging effect of the variant on gene or gene product [REVEL: 0.87 (>=0.6, sensitivity 0.68 and specificity 0.92)]. The same nucleotide change resulting in the same amino acid change has been previously reported as pathogenic/likely pathogenic with strong evidence (ClinVar ID: VCV001352375 /PMID: 31054490). Therefore, this variant is classified as Likely pathogenic according to the recommendation of ACMG/AMP guideline.

Genomic Medicine Center of Excellence, King Faisal Specialist Hospital and Research Centre
Classification: Pathogenic for Developmental and epileptic encephalopathy, 13. Last evaluated: 2024-12-18. Review status: criteria provided, single submitter. Criteria: ACMG Guidelines, 2015. Collection method: clinical testing. Allele origin: germline.

Blueprint Genetics
Classification: Uncertain significance. Last evaluated: 2023-05-26. Review status: criteria provided, single submitter. Criteria: ACMG Guidelines, 2015. Collection method: clinical testing. Allele origin: germline.

GeneDx
Classification: Uncertain significance. Last evaluated: 2023-01-03. Review status: criteria provided, single submitter. Criteria: GeneDx Variant Classification Process June 2021. Collection method: clinical testing. Allele origin: germline. Affected: yes.
Comment: Observed de novo without confirmed parentage in multiple unrelated patients with seizures, global developmental delay, and abnormal EEG in published literature (Nashabat et al., 2019); Missense variants in this gene are often considered pathogenic (HGMD); In silico analysis supports that this missense variant has a deleterious effect on protein structure/function; This substitution is predicted to be within the N-terminal cytoplasmic domain.; This variant is associated with the following publications: (PMID: 31031587, 31054490)

Ambry Genetics
Classification: Uncertain significance for Inborn genetic diseases. Last evaluated: 2019-08-01. Review status: criteria provided, single submitter. Criteria: Ambry Variant Classification Scheme 2023. Collection method: clinical testing. Allele origin: germline.
Comment: The p.R28C variant (also known as c.82C>T), located in coding exon 1 of the SCN8A gene, results from a C to T substitution at nucleotide position 82. The arginine at codon 28 is replaced by cysteine, an amino acid with highly dissimilar properties. This amino acid position is highly conserved in available vertebrate species. In addition, this alteration is predicted to be deleterious by in silico analysis. Since supporting evidence is limited at this time, the clinical significance of this alteration remains unclear.

Literature cited by the submitters: PubMed 31054490 (cited by 3 submitters); PubMed 31031587 (cited by Dasa).

NM_001330260.2(SCN8A):c.82C>T (p.Arg28Cys)

Genes: SCN8A (sodium voltage-gated channel alpha subunit 8; plus strand), LOC114803470 (SCN8A eExon liver enhancer; plus strand). Cytogenetic location: 12q13.13.
Variant type: single nucleotide variant.
Coding change: c.82C>T on transcript NM_001330260.2 (MANE Select); coding-DNA position 82, C replaced by T.
Protein change: p.Arg28Cys; replaces arginine 28 with cysteine.
Molecular consequence: missense variant.
Genome position (GRCh38, 1-based): chr12:51,662,899, C>T. VCF-style: chr12-51662899-C-T. GRCh37 (hg19) VCF-style: chr12-52056683-C-T.
Other names: c.82C>T, p.Arg28Cys (NM_001177984.3, NM_001369788.1, NM_014191.4); c.82C>T (NM_014191.3); short protein forms R28C.
Identifiers: ClinVar variation 1352375 (VCV001352375.17), dbSNP rs768570935, ClinGen allele CA6570992.